The following is an entry in ClinVar:

ClinVar aggregate classification (germline): Uncertain significance (1 of 4 stars; one submission).

Allele frequency attached by ClinVar (database versions not stated): gnomAD exomes below 0.00001.
gnomAD v4.1: 1 of 1,613,004 alleles (0.000062%); highest among the groups gnomAD compares: Admixed American, 0.0017%; no homozygotes.

Submission:

Labcorp Genetics (formerly Invitae), Labcorp
Classification: Uncertain significance. Last evaluated: 2021-12-13. Review status: criteria provided, single submitter. Criteria: Invitae Variant Classification Sherloc (09022015). Collection method: clinical testing. Allele origin: germline.
Comment: In summary, the available evidence is currently insufficient to determine the role of this variant in disease. Therefore, it has been classified as a Variant of Uncertain Significance. Algorithms developed to predict the effect of missense changes on protein structure and function are either unavailable or do not agree on the potential impact of this missense change (SIFT: "Tolerated"; PolyPhen-2: "Not Available"; Align-GVGD: "Class C0"). This variant has not been reported in the literature in individuals affected with ERCC6L2-related conditions. This variant is not present in population databases (gnomAD no frequency). This sequence change replaces glutamic acid, which is acidic and polar, with lysine, which is basic and polar, at codon 573 of the ERCC6L2 protein (p.Glu573Lys).

NM_020207.7(ERCC6L2):c.1684G>A (p.Glu562Lys)

Gene: ERCC6L2 (ERCC excision repair 6 like 2; plus strand). Cytogenetic location: 9q22.32.
Variant type: single nucleotide variant.
Coding change: c.1684G>A on transcript NM_020207.7 (MANE Select); coding-DNA position 1684, G replaced by A.
Protein change: p.Glu562Lys; replaces glutamic acid 562 with lysine.
Molecular consequence: missense variant. On other transcripts: non-coding transcript variant (1).
Genome position (GRCh38, 1-based): chr9:95,928,797, G>A. VCF-style: chr9-95928797-G-A. GRCh37 (hg19) VCF-style: chr9-98691079-G-A.
Other names: c.1684G>A, p.Glu562Lys (NM_001010895.4, NM_001375291.1, NM_001375292.1 and 2 more transcripts); short protein forms E562K.
Identifiers: ClinVar variation 2041957 (VCV002041957.4), dbSNP rs2490229779, ClinGen allele CA374126002.